The following is an entry in ClinVar:

ClinVar aggregate classification (germline): Uncertain significance (1 of 4 stars; one submission).

Conditions:
Hereditary cancer-predisposing syndrome. Also called: Neoplastic Syndromes, Hereditary; Tumor predisposition; Hereditary Cancer Syndrome; Hereditary neoplastic syndrome. Identifiers: Orphanet 140162, MedGen C0027672, MeSH D009386, MONDO:0015356.

Submission:

Ambry Genetics
Classification: Uncertain significance for Hereditary cancer-predisposing syndrome. Last evaluated: 2026-05-27. Review status: criteria provided, single submitter. Criteria: Ambry Variant Classification Scheme 2023. Collection method: clinical testing. Allele origin: germline.
Comment: The p.P219L variant (also known as c.656C>T), located in coding exon 3 of the TMEM127 gene, results from a C to T substitution at nucleotide position 656. The proline at codon 219 is replaced by leucine, an amino acid with similar properties. This amino acid position is conserved. In addition, the in silico prediction for this alteration is inconclusive. Based on the available evidence, the clinical significance of this variant remains unclear.

NM_017849.4(TMEM127):c.656C>T (p.Pro219Leu)

Gene: TMEM127 (transmembrane protein 127; minus strand). Cytogenetic location: 2q11.2.
Variant type: single nucleotide variant.
Coding change: c.656C>T on transcript NM_017849.4 (MANE Select); coding-DNA position 656, C replaced by T.
Protein change: p.Pro219Leu; replaces proline 219 with leucine.
Molecular consequence: missense variant.
Genome position (GRCh38, 1-based): chr2:96,253,869, G>A on the plus strand (C>T on the coding strand, the complement: TMEM127 is on the minus strand). VCF-style: chr2-96253869-G-A. GRCh37 (hg19) VCF-style: chr2-96919607-G-A.
Other names: c.656C>T, p.Pro219Leu (NM_001193304.3); c.404C>T, p.Pro135Leu (NM_001407282.1, NM_001407283.1); short protein forms P135L, P219L.
Identifiers: ClinVar variation 4865729 (VCV004865729.1).
Genomic context (GRCh38, chr2:96,253,869, plus strand): 5'-TAGGGTGTGTAAGCAGGGGGTGGCTGGAACTGGTTGATGACCTCATATTCCGCCGGGTAG[G>A]GCTCGTTCTCTTCCATCTCTGAGAGCAGCTCCAGCGCCTGCTCCTCTTCCTCTGTGGGGT-3'
Protein context (NP_060319.1, residues 209-229): ELLSEMEENE[Pro219Leu]YPAEYEVINQ